The following is an entry in ClinVar:

NM_001814.6(CTSC):c.478C>T (p.Gln160Ter)

Gene: CTSC (cathepsin C; minus strand). Cytogenetic location: 11q14.2.
Variant type: single nucleotide variant.
Coding change: c.478C>T on transcript NM_001814.6 (MANE Select); coding-DNA position 478, C replaced by T.
Protein change: p.Gln160Ter; replaces glutamine 160 with a stop codon.
Molecular consequence: nonsense.
Genome position (GRCh38, 1-based): chr11:88,312,395, G>A on the plus strand (C>T on the coding strand, the complement: CTSC is on the minus strand). VCF-style: chr11-88312395-G-A. GRCh37 (hg19) VCF-style: chr11-88045563-G-A.
Other names: short protein forms Q160*.
Identifiers: ClinVar variation 2944836 (VCV002944836.3), dbSNP rs1171989505, ClinGen allele CA382026290.

ClinVar aggregate classification (germline): Pathogenic (1 of 4 stars; one submission).

Conditions:
Periodontitis, aggressive. Identifiers: MedGen C0031106, MONDO:0980757.
Papillon-Lefèvre syndrome (PALS). Also called: KERATOSIS PALMOPLANTARIS WITH PERIODONTOPATHIA; Papillon-Lefevre Disease. Identifiers: Orphanet 678, MedGen C0030360, MONDO:0009490, OMIM 245000.
Haim-Munk syndrome (HMS). Also called: COCHIN JEWISH DISORDER; KERATOSIS PALMOPLANTARIS WITH PERIODONTOPATHIA AND ONYCHOGRYPOSIS. Identifiers: Orphanet 2342, MedGen C1855627, MONDO:0009491, OMIM 245010.

Allele frequency attached by ClinVar (database versions not stated): gnomAD exomes below 0.00001; gnomAD 0.00001.

Submission:

Labcorp Genetics (formerly Invitae), Labcorp
Classification: Pathogenic for Haim-Munk syndrome; Periodontitis, aggressive; Papillon-Lefèvre syndrome. Last evaluated: 2023-03-01. Review status: criteria provided, single submitter. Criteria: Invitae Variant Classification Sherloc (09022015). Collection method: clinical testing. Allele origin: germline.
Comment: For these reasons, this variant has been classified as Pathogenic. Algorithms developed to predict the effect of sequence changes on RNA splicing suggest that this variant may create or strengthen a splice site. This variant has not been reported in the literature in individuals affected with CTSC-related conditions. This variant is present in population databases (no rsID available, gnomAD 0.03%). This sequence change creates a premature translational stop signal (p.Gln160*) in the CTSC gene. It is expected to result in an absent or disrupted protein product. Loss-of-function variants in CTSC are known to be pathogenic (PMID: 10662808, 11106356, 11886537).

Literature cited by the submitters: PubMed 10662808; PubMed 11106356; PubMed 11886537.